The following is an entry in ClinVar:

NM_007103.4(NDUFV1):c.382C>T (p.Arg128Trp)

Gene: NDUFV1 (NADH:ubiquinone oxidoreductase core subunit V1; plus strand). Cytogenetic location: 11q13.2.
Variant type: single nucleotide variant.
Coding change: c.382C>T on transcript NM_007103.4 (MANE Select); coding-DNA position 382, C replaced by T.
Protein change: p.Arg128Trp; replaces arginine 128 with tryptophan.
Molecular consequence: missense variant.
Genome position (GRCh38, 1-based): chr11:67,609,507, C>T. VCF-style: chr11-67609507-C-T. GRCh37 (hg19) VCF-style: chr11-67376978-C-T.
Other names: c.355C>T, p.Arg119Trp (NM_001166102.2); short protein forms R119W, R128W.
Identifiers: ClinVar variation 4888035 (VCV004888035.2).

ClinVar aggregate classification (germline): Conflicting classifications of pathogenicity. Review status: criteria provided, conflicting classifications (1 of 4 stars). 2 submissions from 2 submitters: Likely pathogenic (1); Uncertain significance (1). Last evaluated 2026-02-10.

Submissions (2):

GeneDx
Classification: Likely pathogenic. Last evaluated: 2026-02-10. Review status: criteria provided, single submitter. Criteria: GeneDx Variant Classification Process June 2021. Collection method: clinical testing. Allele origin: germline.
Comment: Has not been previously published as pathogenic or benign to our knowledge; In silico analysis supports that this missense variant has a deleterious effect on protein structure/function; This variant is associated with the following publications: (PMID: 27290639)

Blueprint Genetics
Classification: Uncertain significance. Last evaluated: 2024-02-13. Review status: criteria provided, single submitter. Criteria: ACMG Guidelines, 2015. Collection method: clinical testing. Allele origin: germline.